The following is an entry in ClinVar:

NM_004793.4(LONP1):c.862G>A (p.Glu288Lys)

Gene: LONP1 (lon peptidase 1, mitochondrial; minus strand). Cytogenetic location: 19p13.3.
Variant type: single nucleotide variant.
Coding change: c.862G>A on transcript NM_004793.4 (MANE Select); coding-DNA position 862, G replaced by A.
Protein change: p.Glu288Lys; replaces glutamic acid 288 with lysine.
Molecular consequence: missense variant. On other transcripts: non-coding transcript variant (1).
Genome position (GRCh38, 1-based): chr19:5,711,779, C>T on the plus strand (G>A on the coding strand, the complement: LONP1 is on the minus strand). VCF-style: chr19-5711779-C-T. GRCh37 (hg19) VCF-style: chr19-5711790-C-T.
Other names: c.670G>A, p.Glu224Lys (NM_001276479.2); c.274G>A, p.Glu92Lys (NM_001276480.1); short protein forms E288K, E92K, E224K.
Identifiers: ClinVar variation 2752964 (VCV002752964.3), dbSNP rs1293495704, ClinGen allele CA403538486.
Genomic context (GRCh38, chr19:5,711,779, plus strand): 5'-GGAGCCCGTGGGGGAGGCAGCTGTGGCCGCCCTGCGTGACGCACGGACTCACTTTCACCT[C>T]CTCCGTGACCTGGAAGTCCTCGTGGACAACGTTCTCTACCTCCACCATGAGCACCTCAGC-3'
Protein context (NP_004784.2, residues 278-298): VVHEDFQVTE[Glu288Lys]VKALTAEIVK

ClinVar aggregate classification (germline): Uncertain significance (1 of 4 stars; one submission).

Submission:

Labcorp Genetics (formerly Invitae), Labcorp
Classification: Uncertain significance. Last evaluated: 2023-08-16. Review status: criteria provided, single submitter. Criteria: Invitae Variant Classification Sherloc (09022015). Collection method: clinical testing. Allele origin: germline.
Comment: This sequence change replaces glutamic acid, which is acidic and polar, with lysine, which is basic and polar, at codon 288 of the LONP1 protein (p.Glu288Lys). In summary, the available evidence is currently insufficient to determine the role of this variant in disease. Therefore, it has been classified as a Variant of Uncertain Significance. Algorithms developed to predict the effect of sequence changes on RNA splicing suggest that this variant may create or strengthen a splice site. Advanced modeling of protein sequence and biophysical properties (such as structural, functional, and spatial information, amino acid conservation, physicochemical variation, residue mobility, and thermodynamic stability) performed at Invitae indicates that this missense variant is not expected to disrupt LONP1 protein function. This variant has not been reported in the literature in individuals affected with LONP1-related conditions. This variant is not present in population databases (gnomAD no frequency).